The following is an entry in ClinVar:

NM_001111125.3(IQSEC2):c.2035C>T (p.Arg679Trp)

Gene: IQSEC2 (IQ motif and Sec7 domain ArfGEF 2; minus strand). Cytogenetic location: Xp11.22.
Variant type: single nucleotide variant.
Coding change: c.2035C>T on transcript NM_001111125.3 (MANE Select); coding-DNA position 2035, C replaced by T.
Protein change: p.Arg679Trp; replaces arginine 679 with tryptophan.
Molecular consequence: missense variant.
Genome position (GRCh38, 1-based): chrX:53,250,541, G>A on the plus strand (C>T on the coding strand, the complement: IQSEC2 is on the minus strand). VCF-style: chrX-53250541-G-A. GRCh37 (hg19) VCF-style: chrX-53279723-G-A.
Other names: c.2035C>T (NM_001111125.1); c.1420C>T, p.Arg474Trp (NM_015075.2); short protein forms R679W, R474W.
Identifiers: ClinVar variation 1515057 (VCV001515057.9), dbSNP rs2147098048, ClinGen allele CA413162581.

ClinVar aggregate classification (germline): Uncertain significance. Review status: criteria provided, multiple submitters, no conflicts (2 of 4 stars). 2 submissions from 2 submitters: Uncertain significance (2). Last evaluated 2026-02-24.

Conditions:
Intellectual developmental disorder, X-linked 1. Also called: Intellectual disability, X-linked 1; Atkin Flaitz Patil Smith syndrome; MENTAL RETARDATION, X-LINKED 18; MENTAL RETARDATION, X-LINKED 78. Identifiers: Orphanet 777, MedGen C2931498, MONDO:0010656, OMIM 309530.

Allele frequency attached by ClinVar (database versions not stated): gnomAD exomes below 0.00001.
gnomAD v4.1: 1 of 1,211,445 alleles (0.000083%); highest among the groups gnomAD compares: South Asian, 0.0018%; no homozygotes.

Submissions (2):

GeneDx
Classification: Uncertain significance. Last evaluated: 2026-02-24. Review status: criteria provided, single submitter. Criteria: GeneDx Variant Classification Process June 2021. Collection method: clinical testing. Allele origin: germline.
Comment: Not observed at significant frequency in large population cohorts (gnomAD); In silico analysis suggests that this missense variant does not alter protein structure/function; Has not been previously published as pathogenic or benign to our knowledge

Labcorp Genetics (formerly Invitae), Labcorp
Classification: Uncertain significance for Intellectual developmental disorder, X-linked 1. Last evaluated: 2021-04-24. Review status: criteria provided, single submitter. Criteria: Invitae Variant Classification Sherloc (09022015). Collection method: clinical testing. Allele origin: germline.
Comment: This variant is not present in population databases (ExAC no frequency). In summary, the available evidence is currently insufficient to determine the role of this variant in disease. Therefore, it has been classified as a Variant of Uncertain Significance. Advanced modeling of protein sequence and biophysical properties (such as structural, functional, and spatial information, amino acid conservation, physicochemical variation, residue mobility, and thermodynamic stability) performed at Invitae indicates that this missense variant is not expected to disrupt IQSEC2 protein function. This variant has not been reported in the literature in individuals with IQSEC2-related conditions. This sequence change replaces arginine with tryptophan at codon 679 of the IQSEC2 protein (p.Arg679Trp). The arginine residue is weakly conserved and there is a moderate physicochemical difference between arginine and tryptophan.